The following is an entry in ClinVar:

ClinVar aggregate classification (germline): Uncertain significance (1 of 4 stars; one submission).

Submission:

GeneDx
Classification: Uncertain significance. Last evaluated: 2026-03-16. Review status: criteria provided, single submitter. Criteria: GeneDx Variant Classification Process June 2021. Collection method: clinical testing. Allele origin: germline.
Comment: Not observed at significant frequency in large population cohorts (gnomAD); In silico analysis suggests that this missense variant does not alter protein structure/function; Has not been previously published as pathogenic or benign to our knowledge

NM_001042424.3(NSD2):c.565G>T (p.Val189Leu)

Gene: NSD2 (nuclear receptor binding SET domain protein 2; plus strand). Cytogenetic location: 4p16.3.
Variant type: single nucleotide variant.
Coding change: c.565G>T on transcript NM_001042424.3 (MANE Select); coding-DNA position 565, G replaced by T.
Protein change: p.Val189Leu; replaces valine 189 with leucine.
Molecular consequence: missense variant. On other transcripts: 5 prime UTR variant (2).
Genome position (GRCh38, 1-based): chr4:1,901,219, G>T. VCF-style: chr4-1901219-G-T. GRCh37 (hg19) VCF-style: chr4-1902946-G-T.
Other names: c.565G>T, p.Val189Leu (NM_001440892.1, NM_001440893.1, NM_001440894.1 and 9 more transcripts); c.-242G>T (NM_001440899.1); c.-509G>T (NM_001440900.1); short protein forms V189L.
Identifiers: ClinVar variation 5009294 (VCV005009294.1).
Genomic context (GRCh38, chr4:1,901,219, plus strand): 5'-AGGAAGAGGAGCATAAAATATGACTCCTTGCTGGAGCAGGGCCTTGTCGAAGCAGCTCTT[G>T]TGTCTAAGATCTCAAGTCCTTCAGATAAAAAGGTATTTAGGAGACGTTGTGTAAGGGGTC-3'
Protein context (NP_001035889.1, residues 179-199): LEQGLVEAAL[Val189Leu]SKISSPSDKK